The following is an entry in ClinVar:

ClinVar aggregate classification (germline): Uncertain significance (1 of 4 stars; one submission).

Conditions:
Hyperkalemic periodic paralysis. Also called: Familial hyperkalemic periodic paralysis; Gamstorp disease. Identifiers: Orphanet 682, MedGen C0238357, MONDO:0008224, OMIM 170500, HP:0007215.

Allele frequency attached by ClinVar (database versions not stated): ExAC 0.00001.
gnomAD v4.1: 4 of 1,613,056 alleles (0.00025%); highest among the groups gnomAD compares: Admixed American, 0.0067%; no homozygotes.

Submission:

Labcorp Genetics (formerly Invitae), Labcorp
Classification: Uncertain significance for Hyperkalemic periodic paralysis. Last evaluated: 2023-03-31. Review status: criteria provided, single submitter. Criteria: Invitae Variant Classification Sherloc (09022015). Collection method: clinical testing. Allele origin: germline.
Comment: In summary, the available evidence is currently insufficient to determine the role of this variant in disease. Therefore, it has been classified as a Variant of Uncertain Significance. Advanced modeling of protein sequence and biophysical properties (such as structural, functional, and spatial information, amino acid conservation, physicochemical variation, residue mobility, and thermodynamic stability) has been performed at Invitae for this missense variant, however the output from this modeling did not meet the statistical confidence thresholds required to predict the impact of this variant on SCN4A protein function. This variant has not been reported in the literature in individuals affected with SCN4A-related conditions. This variant is present in population databases (rs772943973, gnomAD 0.009%). This sequence change replaces isoleucine, which is neutral and non-polar, with serine, which is neutral and polar, at codon 586 of the SCN4A protein (p.Ile586Ser).

NM_000334.4(SCN4A):c.1757T>G (p.Ile586Ser)

Gene: SCN4A (sodium voltage-gated channel alpha subunit 4; minus strand). Cytogenetic location: 17q23.3.
Variant type: single nucleotide variant.
Coding change: c.1757T>G on transcript NM_000334.4 (MANE Select); coding-DNA position 1757, T replaced by G.
Protein change: p.Ile586Ser; replaces isoleucine 586 with serine.
Molecular consequence: missense variant.
Genome position (GRCh38, 1-based): chr17:63,961,281, A>C on the plus strand (T>G on the coding strand, the complement: SCN4A is on the minus strand). VCF-style: chr17-63961281-A-C. GRCh37 (hg19) VCF-style: chr17-62038641-A-C.
Other names: short protein forms I586S.
Identifiers: ClinVar variation 2964920 (VCV002964920.3), dbSNP rs772943973, ClinGen allele CA8709753.